The following is an entry in ClinVar:

ClinVar aggregate classification (germline): Likely benign. Review status: criteria provided, multiple submitters, no conflicts (2 of 4 stars). 3 submissions from 3 submitters: Likely benign (3). Last evaluated 2025-07-30.

Conditions:
Hereditary cancer-predisposing syndrome. Also called: Tumor predisposition; Hereditary neoplastic syndrome; Neoplastic Syndromes, Hereditary; Hereditary Cancer Syndrome. Identifiers: Orphanet 140162, MedGen C0027672, MeSH D009386, MONDO:0015356.
Hereditary breast ovarian cancer syndrome. Also called: Hereditary breast and/or ovarian cancer syndrome; Hereditary breast and ovarian cancer syndrome; Hereditary breast and ovarian cancer syndrome (HBOC); Hereditary breast and ovarian cancer; BRCA1- and BRCA2-Associated Hereditary Breast and Ovarian Cancer; Breast and ovarian cancer. Identifiers: Orphanet 145, MedGen C0677776, MeSH D061325, MONDO:0003582. Disease mechanism: loss of function.

Allele frequency attached by ClinVar (database versions not stated): TOPMed 0.00001.
gnomAD v4.1: 2 of 1,611,004 alleles (0.00012%); highest among the groups gnomAD compares: Non-Finnish European, 0.00017%; no homozygotes.

Submissions (3):

Labcorp Genetics (formerly Invitae), Labcorp
Classification: Likely benign for Hereditary breast ovarian cancer syndrome. Last evaluated: 2025-07-30. Review status: criteria provided, single submitter. Criteria: Invitae Variant Classification Sherloc (09022015). Collection method: clinical testing. Allele origin: germline.

Color Diagnostics, LLC DBA Color Health
Classification: Likely benign for Hereditary cancer-predisposing syndrome. Last evaluated: 2019-09-09. Review status: criteria provided, single submitter. Criteria: ACMG Guidelines, 2015. Collection method: clinical testing. Allele origin: germline.

GeneDx
Classification: Likely benign. Last evaluated: 2015-11-18. Review status: criteria provided, single submitter. Criteria: GeneDx Variant Classification (06012015). Collection method: clinical testing. Allele origin: germline. Affected: yes.
Comment: This variant is considered likely benign or benign based on one or more of the following criteria: it is a conservative change, it occurs at a poorly conserved position in the protein, it is predicted to be benign by multiple in silico algorithms, and/or has population frequency not consistent with disease.

NM_007294.4(BRCA1):c.593+16C>G

Gene: BRCA1 (BRCA1 DNA repair associated; minus strand). Cytogenetic location: 17q21.31.
Variant type: single nucleotide variant.
Coding change: c.593+16C>G on transcript NM_007294.4 (MANE Select); 16 bases into the intron after coding-DNA position 593, C replaced by G.
Molecular consequence: intron variant.
Genome position (GRCh38, 1-based): chr17:43,097,228, G>C on the plus strand (C>G on the coding strand, the complement: BRCA1 is on the minus strand). VCF-style: chr17-43097228-G-C. GRCh37 (hg19) VCF-style: chr17-41249245-G-C.
Other names: c.515+16C>G (NM_001407658.1, NM_001407653.1, NM_001408414.1 and 9 more transcripts); c.335-2368C>G (NM_001407958.1, NM_001407955.1, NM_001407954.1 and 3 more transcripts); c.380+16C>G (NM_001408493.1, NM_001408490.1, NM_001407915.1 and 12 more transcripts); c.338-2368C>G (NM_001408502.1, NM_001407951.1, NM_001407946.1 and 7 more transcripts); c.383+16C>G (NM_001408489.1, NM_001408479.1, NM_001407910.1 and 27 more transcripts); c.584+16C>G (NM_001407646.1, NM_001408408.1, NM_001407647.1); c.545-2368C>G (NM_001408445.1, NM_001408432.1, NM_001407689.1 and 20 more transcripts); c.590+16C>G (NM_001408431.1, NM_001408424.1, NM_001408407.1 and 41 more transcripts); and 17 more.
Identifiers: ClinVar variation 381763 (VCV000381763.15), dbSNP rs773139281, ClinGen allele CA16608457.